The following is an entry in ClinVar:

ClinVar aggregate classification (germline): Uncertain significance. Review status: criteria provided, multiple submitters, no conflicts (2 of 4 stars). 2 submissions from 2 submitters: Uncertain significance (2). Last evaluated 2022-02-19.

Conditions:
Inborn genetic diseases. Identifiers: MedGen C0950123, MeSH D030342.
Cohen syndrome (COH1). Also called: PEPPER SYNDROME; Cutis verticis gyrata, retinitis pigmentosa, and sensorineural deafness. Identifiers: Orphanet 193, MedGen C0265223, MONDO:0008999, OMIM 216550.

Submissions (2):

Labcorp Genetics (formerly Invitae), Labcorp
Classification: Uncertain significance for Cohen syndrome. Last evaluated: 2022-02-19. Review status: criteria provided, single submitter. Criteria: Invitae Variant Classification Sherloc (09022015). Collection method: clinical testing. Allele origin: germline.
Comment: This sequence change replaces aspartic acid, which is acidic and polar, with glycine, which is neutral and non-polar, at codon 3107 of the VPS13B protein (p.Asp3107Gly). This variant is not present in population databases (gnomAD no frequency). This variant has not been reported in the literature in individuals affected with VPS13B-related conditions. ClinVar contains an entry for this variant (Variation ID: 589020). Algorithms developed to predict the effect of missense changes on protein structure and function are either unavailable or do not agree on the potential impact of this missense change (SIFT: "Not Available"; PolyPhen-2: "Possibly Damaging"; Align-GVGD: "Not Available"). Algorithms developed to predict the effect of sequence changes on RNA splicing suggest that this variant may disrupt the consensus splice site. In summary, the available evidence is currently insufficient to determine the role of this variant in disease. Therefore, it has been classified as a Variant of Uncertain Significance.

Ambry Genetics
Classification: Uncertain significance for Inborn genetic diseases. Last evaluated: 2017-05-23. Review status: criteria provided, single submitter. Criteria: Ambry Variant Classification Scheme 2023. Collection method: clinical testing. Allele origin: germline.
Comment: The p.D3107G variant (also known as c.9320A>G), located in coding exon 50 of the VPS13B gene, results from an A to G substitution at nucleotide position 9320. The aspartic acid at codon 3107 is replaced by glycine, an amino acid with similar properties. This amino acid position is highly conserved in available vertebrate species. In addition, this alteration is predicted to be deleterious by in silico analysis. Since supporting evidence is limited at this time, the clinical significance of this alteration remains unclear.

NM_152564.5(VPS13B):c.9245A>G (p.Asp3082Gly)

Gene: VPS13B (vacuolar protein sorting 13 homolog B; plus strand). Cytogenetic location: 8q22.2.
Variant type: single nucleotide variant.
Coding change: c.9245A>G on transcript NM_152564.5 (MANE Select); coding-DNA position 9245, A replaced by G.
Protein change: p.Asp3082Gly; replaces aspartic acid 3082 with glycine.
Molecular consequence: missense variant.
Genome position (GRCh38, 1-based): chr8:99,823,893, A>G. VCF-style: chr8-99823893-A-G. GRCh37 (hg19) VCF-style: chr8-100836121-A-G.
Other names: c.9320A>G, p.Asp3107Gly (NM_017890.5); short protein forms D3082G, D3107G.
Identifiers: ClinVar variation 589020 (VCV000589020.48), dbSNP rs1563492523, ClinGen allele CA371780111.